The following is an entry in ClinVar:

ClinVar aggregate classification (germline): Likely benign (1 of 4 stars; one submission).

Conditions:
TTN-related disorder. Also called: TTN-related disorders; TTN-related condition; TTN-related disease.

gnomAD v4.1: 8 of 1,609,210 alleles (0.0005%); highest among the groups gnomAD compares: Non-Finnish European, 0.00068%; no homozygotes.

Submission:

PreventionGenetics, part of Exact Sciences
Classification: Likely benign for TTN-related condition. Last evaluated: 2024-10-30. Review status: criteria provided, single submitter. Criteria: ACMG Guidelines, 2015. Collection method: clinical testing. Allele origin: germline.
Comment: This variant is classified as likely benign based on ACMG/AMP sequence variant interpretation guidelines (Richards et al. 2015 PMID: 25741868, with internal and published modifications).

NM_001267550.2(TTN):c.33664+9C>G

Gene: TTN (titin; minus strand). Cytogenetic location: 2q31.2.
Variant type: single nucleotide variant.
Coding change: c.33664+9C>G on transcript NM_001267550.2 (MANE Select); 9 bases into the intron after coding-DNA position 33664, C replaced by G.
Molecular consequence: intron variant.
Genome position (GRCh38, 1-based): chr2:178,679,590, G>C on the plus strand (C>G on the coding strand, the complement: TTN is on the minus strand). VCF-style: chr2-178679590-G-C. GRCh37 (hg19) VCF-style: chr2-179544317-G-C.
Other names: c.13283-37273C>G (NM_003319.4); c.13859-37273C>G (NM_133437.4); c.13658-37273C>G (NM_133432.3); c.29932+9C>G (NM_133378.4); c.32713+9C>G (NM_001256850.1).
Identifiers: ClinVar variation 4999686 (VCV004999686.1).